The following is an entry in ClinVar:

ClinVar aggregate classification (germline): Uncertain significance (1 of 4 stars; one submission).

Conditions:
Ehlers-Danlos syndrome, classic type, 1 (EDSCL1). Also called: EHLERS-DANLOS SYNDROME, GRAVIS TYPE; EHLERS-DANLOS SYNDROME, SEVERE CLASSIC TYPE; Ehlers-Danlos syndrome, type 1; Ehlers-Danlos Syndrome, Classic Type, COL5A1-Related; EDS I. Identifiers: MedGen C0268335, MONDO:0019567, OMIM 130000.
Osteogenesis imperfecta type I (OI1). Also called: OI, TYPE I; OSTEOGENESIS IMPERFECTA TARDA; OSTEOGENESIS IMPERFECTA WITH BLUE SCLERAE; Osteogenesis imperfecta type 1; Lobstein's Disease; Lobstein disease. Identifiers: Orphanet 216796, Orphanet 666, MedGen C0023931, MONDO:0008146, OMIM 166200. Disease mechanism: loss of function.

Submission:

Labcorp Genetics (formerly Invitae), Labcorp
Classification: Uncertain significance for Osteogenesis imperfecta type I; Ehlers-Danlos syndrome, classic type, 1. Last evaluated: 2026-01-26. Review status: criteria provided, single submitter. Criteria: Invitae Variant Classification Sherloc (09022015). Collection method: clinical testing. Allele origin: germline.
Comment: This sequence change replaces proline, which is neutral and non-polar, with alanine, which is neutral and non-polar, at codon 50 of the COL1A2 protein (p.Pro50Ala). This variant is not present in population databases (gnomAD no frequency). This variant has not been reported in the literature in individuals affected with COL1A2-related conditions. ClinVar contains an entry for this variant (Variation ID: 3749949). Invitae Evidence Modeling of protein sequence and biophysical properties (such as structural, functional, and spatial information, amino acid conservation, physicochemical variation, residue mobility, and thermodynamic stability) indicates that this missense variant is not expected to disrupt COL1A2 protein function with a negative predictive value of 95%. In summary, the available evidence is currently insufficient to determine the role of this variant in disease. Therefore, it has been classified as a Variant of Uncertain Significance.

NM_000089.4(COL1A2):c.148C>G (p.Pro50Ala)

Gene: COL1A2 (collagen type I alpha 2 chain; plus strand). Cytogenetic location: 7q21.3.
Variant type: single nucleotide variant.
Coding change: c.148C>G on transcript NM_000089.4 (MANE Select); coding-DNA position 148, C replaced by G.
Protein change: p.Pro50Ala; replaces proline 50 with alanine.
Molecular consequence: missense variant.
Genome position (GRCh38, 1-based): chr7:94,400,211, C>G. VCF-style: chr7-94400211-C-G. GRCh37 (hg19) VCF-style: chr7-94029523-C-G.
Other names: short protein forms P50A.
Identifiers: ClinVar variation 3749949 (VCV003749949.2).